The following is an entry in ClinVar:

NM_020366.4(RPGRIP1):c.3308T>C (p.Val1103Ala)

Gene: RPGRIP1 (RPGR interacting protein 1; plus strand). Cytogenetic location: 14q11.2.
Variant type: single nucleotide variant.
Coding change: c.3308T>C on transcript NM_020366.4 (MANE Select); coding-DNA position 3308, T replaced by C.
Protein change: p.Val1103Ala; replaces valine 1103 with alanine.
Molecular consequence: missense variant.
Genome position (GRCh38, 1-based): chr14:21,334,674, T>C. VCF-style: chr14-21334674-T-C. GRCh37 (hg19) VCF-style: chr14-21802833-T-C.
Other names: c.1286T>C, p.Val429Ala (NM_001377523.1, NM_001377950.1); c.2234T>C, p.Val745Ala (NM_001377948.1); c.1394T>C, p.Val465Ala (NM_001377949.1); c.791T>C, p.Val264Ala (NM_001377951.1); short protein forms V745A, V264A, V1103A, V465A, V429A.
Identifiers: ClinVar variation 2921942 (VCV002921942.3), dbSNP rs924929431, ClinGen allele CA257537010.
Genomic context (GRCh38, chr14:21,334,674, plus strand): 5'-CCTCTGAACAAGGTTCTGAAGTCAGTGAAGCACAAACTACCGACAGTGATGATGTCATAG[T>C]GCCACCCATGTCTCAGAAATATCCTAAGGCAGTAAGTACACTGGAGTAATCATTGCATAC-3'
Protein context (NP_065099.3, residues 1093-1113): AQTTDSDDVI[Val1103Ala]PPMSQKYPKA

ClinVar aggregate classification (germline): Uncertain significance (1 of 4 stars; one submission).

Conditions:
Leber congenital amaurosis 6 (LCA6). Identifiers: Orphanet 65, MedGen C1854260, MONDO:0013446, OMIM 613826.
Cone-rod dystrophy 13 (CORD13). Identifiers: Orphanet 1872, MedGen C2750720, MONDO:0011987, OMIM 608194.

Allele frequency attached by ClinVar (database versions not stated): gnomAD exomes below 0.00001; TOPMed below 0.00001.
gnomAD v4.1: 2 of 1,607,416 alleles (0.00012%); highest among the groups gnomAD compares: Middle Eastern, 0.016%; no homozygotes.

Submission:

Labcorp Genetics (formerly Invitae), Labcorp
Classification: Uncertain significance for Leber congenital amaurosis 6; Cone-rod dystrophy 13. Last evaluated: 2023-07-19. Review status: criteria provided, single submitter. Criteria: Invitae Variant Classification Sherloc (09022015). Collection method: clinical testing. Allele origin: germline.
Comment: In summary, the available evidence is currently insufficient to determine the role of this variant in disease. Therefore, it has been classified as a Variant of Uncertain Significance. Advanced modeling of protein sequence and biophysical properties (such as structural, functional, and spatial information, amino acid conservation, physicochemical variation, residue mobility, and thermodynamic stability) performed at Invitae indicates that this missense variant is expected to disrupt RPGRIP1 protein function. This variant has not been reported in the literature in individuals affected with RPGRIP1-related conditions. This variant is not present in population databases (gnomAD no frequency). This sequence change replaces valine, which is neutral and non-polar, with alanine, which is neutral and non-polar, at codon 1103 of the RPGRIP1 protein (p.Val1103Ala).